The following is an entry in ClinVar:

ClinVar aggregate classification (germline): Uncertain significance (1 of 4 stars; one submission).

Allele frequency attached by ClinVar (database versions not stated): TOPMed 0.00001; gnomAD exomes 0.00002.
gnomAD v4.1: 27 of 1,613,840 alleles (0.0017%); highest among the groups gnomAD compares: Non-Finnish European, 0.0022%; no homozygotes.

Submission:

Labcorp Genetics (formerly Invitae), Labcorp
Classification: Uncertain significance. Last evaluated: 2025-11-23. Review status: criteria provided, single submitter. Criteria: Invitae Variant Classification Sherloc (09022015). Collection method: clinical testing. Allele origin: germline.
Comment: This sequence change replaces serine, which is neutral and polar, with alanine, which is neutral and non-polar, at codon 157 of the ARL3 protein (p.Ser157Ala). This variant is present in population databases (no rsID available, gnomAD 0.004%). This variant has not been reported in the literature in individuals affected with ARL3-related conditions. ClinVar contains an entry for this variant (Variation ID: 1018300). An algorithm developed to predict the effect of missense changes on protein structure and function (PolyPhen-2) suggests that this variant is likely to be tolerated. In summary, the available evidence is currently insufficient to determine the role of this variant in disease. Therefore, it has been classified as a Variant of Uncertain Significance.

NM_004311.4(ARL3):c.469T>G (p.Ser157Ala)

Gene: ARL3 (ARF like GTPase 3; minus strand). Cytogenetic location: 10q24.32.
Variant type: single nucleotide variant.
Coding change: c.469T>G on transcript NM_004311.4 (MANE Select); coding-DNA position 469, T replaced by G.
Protein change: p.Ser157Ala; replaces serine 157 with alanine.
Molecular consequence: missense variant.
Genome position (GRCh38, 1-based): chr10:102,685,848, A>C on the plus strand (T>G on the coding strand, the complement: ARL3 is on the minus strand). VCF-style: chr10-102685848-A-C. GRCh37 (hg19) VCF-style: chr10-104445605-A-C.
Other names: short protein forms S157A.
Identifiers: ClinVar variation 1018300 (VCV001018300.8), dbSNP rs1475857723, ClinGen allele CA377919860.